The following is an entry in ClinVar:

ClinVar aggregate classification (germline): Uncertain significance. Review status: criteria provided, multiple submitters, no conflicts (2 of 4 stars). 2 submissions from 2 submitters: Uncertain significance (2). Last evaluated 2024-11-28.

Conditions:
Inborn genetic diseases. Identifiers: MedGen C0950123, MeSH D030342.

Allele frequency attached by ClinVar (database versions not stated): gnomAD exomes below 0.00001; gnomAD 0.00001; TOPMed 0.00001.

Submissions (2):

Ambry Genetics
Classification: Uncertain significance for Inborn genetic diseases. Last evaluated: 2024-11-28. Review status: criteria provided, single submitter. Criteria: Ambry Variant Classification Scheme 2023. Collection method: clinical testing. Allele origin: germline.
Comment: The p.D487N variant (also known as c.1459G>A), located in coding exon 9 of the FANCM gene, results from a G to A substitution at nucleotide position 1459. The aspartic acid at codon 487 is replaced by asparagine, an amino acid with highly similar properties. This amino acid position is conserved. In addition, this alteration is predicted to be tolerated by in silico analysis. Based on the available evidence, the clinical significance of this variant remains unclear.

GeneDx
Classification: Uncertain significance. Last evaluated: 2024-06-13. Review status: criteria provided, single submitter. Criteria: GeneDx Variant Classification Process June 2021. Collection method: clinical testing. Allele origin: germline. Affected: yes.
Comment: Not observed at significant frequency in large population cohorts (gnomAD); In silico analysis supports that this missense variant has a deleterious effect on protein structure/function; Has not been previously published as pathogenic or benign to our knowledge; In silico analysis suggests this variant may impact gene splicing. In the absence of RNA/functional studies, the actual effect of this sequence change is unknown.

NM_020937.4(FANCM):c.1459G>A (p.Asp487Asn)

Gene: FANCM (FA complementation group M; plus strand). Cytogenetic location: 14q21.2.
Variant type: single nucleotide variant.
Coding change: c.1459G>A on transcript NM_020937.4 (MANE Select); coding-DNA position 1459, G replaced by A.
Protein change: p.Asp487Asn; replaces aspartic acid 487 with asparagine.
Molecular consequence: missense variant.
Genome position (GRCh38, 1-based): chr14:45,159,158, G>A. VCF-style: chr14-45159158-G-A. GRCh37 (hg19) VCF-style: chr14-45628361-G-A.
Other names: c.1381G>A, p.Asp461Asn (NM_001308133.2); c.1459G>A, p.Asp487Asn (NM_001308134.2); short protein forms D461N, D487N.
Identifiers: ClinVar variation 1313208 (VCV001313208.5), dbSNP rs1418462497, ClinGen allele CA389592488.
Genomic context (GRCh38, chr14:45,159,158, plus strand): 5'-GAAAACACTACTGAAAAGAAACGTGATGAGACCCGAGTTATGATCTTCTCTTCATTTCGA[G>A]ATAGTGTTCAAGAAATTGCAGAAATGCTTTCACAGCATCAGCCAATTATTAGAGTAATGA-3'
Protein context (NP_065988.1, residues 477-497): TRVMIFSSFR[Asp487Asn]SVQEIAEMLS